The following is an entry in ClinVar:

ClinVar aggregate classification (germline): Benign. Review status: criteria provided, multiple submitters, no conflicts (2 of 4 stars). 3 submissions from 3 submitters: Benign (2). 1 of the submissions does not count toward it. Last evaluated 2018-03-29.

Conditions:
PLEKHA5-related disorder. Also called: PLEKHA5-related condition.

Allele frequency attached by ClinVar (database versions not stated): gnomAD 0.00808 and 0.00825; ESP Exome Variant Server 0.01000; 1000 Genomes Project 0.00459; gnomAD exomes 0.00736 and 0.01216; 1000 Genomes Project 30x 0.00468; ExAC 0.00733; TOPMed 0.00806.
gnomAD v4.1: 18,898 of 1,613,522 alleles (1.2%); highest among the groups gnomAD compares: Non-Finnish European, 1.4%; 126 homozygotes.

Submissions (3):

Labcorp Genetics (formerly Invitae), Labcorp
Classification: Benign. Last evaluated: 2018-03-29. Review status: criteria provided, single submitter. Criteria: Invitae Variant Classification Sherloc (09022015). Collection method: clinical testing. Allele origin: germline.

Breakthrough Genomics
Classification: Benign. Review status: criteria provided, single submitter. Criteria: ACMG Guidelines, 2015. Collection method: not provided. Allele origin: germline. Inheritance: Unknown mechanism. Affected: yes.

PreventionGenetics, part of Exact Sciences
Classification: Benign for PLEKHA5-related condition. Last evaluated: 2019-03-29. Review status: no assertion criteria provided. Collection method: clinical testing. Allele origin: germline. Not counted in ClinVar's aggregate classification.
Comment: This variant is classified as benign based on ACMG/AMP sequence variant interpretation guidelines (Richards et al. 2015 PMID: 25741868, with internal and published modifications).

NM_001256470.2(PLEKHA5):c.909A>G (p.Arg303=)

Gene: PLEKHA5 (pleckstrin homology domain containing A5; plus strand). Cytogenetic location: 12p12.3.
Variant type: single nucleotide variant.
Coding change: c.909A>G on transcript NM_001256470.2 (MANE Select); coding-DNA position 909, A replaced by G.
Protein change: p.Arg303=; no amino-acid change (arginine 303 retained).
Molecular consequence: synonymous variant. On other transcripts: non-coding transcript variant (6).
Genome position (GRCh38, 1-based): chr12:19,274,579, A>G. VCF-style: chr12-19274579-A-G. GRCh37 (hg19) VCF-style: chr12-19427513-A-G.
Other names: c.891A>G, p.Arg297= (NM_001143821.3, NM_001385923.1, NM_001385925.1 and 11 more transcripts); c.567A>G, p.Arg189= (NM_001256787.2, NM_001385935.1, NM_001385940.1 and 25 more transcripts); c.909A>G, p.Arg303= (NM_001385924.1, NM_001385926.1, NM_001385927.1 and 4 more transcripts); c.585A>G, p.Arg195= (NM_001385933.1, NM_001385939.1, NM_001385942.1); c.462A>G, p.Arg154= (NM_001385963.1); c.420A>G, p.Arg140= (NM_001385965.1).
Identifiers: ClinVar variation 781698 (VCV000781698.6), dbSNP rs61755451, ClinGen allele CA6472189.